The following is an entry in ClinVar:

NM_022455.5(NSD1):c.2968G>A (p.Glu990Lys)

Gene: NSD1 (nuclear receptor binding SET domain protein 1; plus strand). Cytogenetic location: 5q35.3.
Variant type: single nucleotide variant.
Coding change: c.2968G>A on transcript NM_022455.5 (MANE Select); coding-DNA position 2968, G replaced by A.
Protein change: p.Glu990Lys; replaces glutamic acid 990 with lysine.
Molecular consequence: missense variant.
Genome position (GRCh38, 1-based): chr5:177,211,367, G>A. VCF-style: chr5-177211367-G-A. GRCh37 (hg19) VCF-style: chr5-176638368-G-A.
Other names: c.2095G>A, p.Glu699Lys (NM_001365684.2, NM_001409306.1, NM_001409307.1 and 3 more transcripts); c.2968G>A, p.Glu990Lys (NM_001409301.1, NM_001409302.1, NM_001409303.1); c.2548G>A, p.Glu850Lys (NM_001409304.1); c.2215G>A, p.Glu739Lys (NM_001409305.1); short protein forms E990K, E721K, E739K, E699K, E850K.
Identifiers: ClinVar variation 588555 (VCV000588555.60), dbSNP rs138673583, ClinGen allele CA3577348.

ClinVar aggregate classification (germline): Benign/Likely benign. Review status: criteria provided, multiple submitters, no conflicts (2 of 4 stars). 8 submissions from 8 submitters: Benign (2); Likely benign (6). Last evaluated 2025-12-08.

Conditions:
Inborn genetic diseases. Identifiers: MedGen C0950123, MeSH D030342.
Sotos syndrome (SOTOS). Also called: Sotos' syndrome; Distinctive facial appearance, overgrowth in childhood, and learning disabilities or delayed development; CEREBRAL GIGANTISM; SOTOS SYNDROME 1; CHROMOSOME 5q35 DELETION SYNDROME. Identifiers: Orphanet 821, MedGen C0175695, MONDO:0019349, OMIM 117550.

Allele frequency attached by ClinVar (database versions not stated): TOPMed 0.00013; gnomAD exomes 0.00014 and 0.00016; ExAC 0.00019; gnomAD 0.00021 and 0.00022; ESP Exome Variant Server 0.00023.
gnomAD v4.1: 259 of 1,613,996 alleles (0.016%); highest among the groups gnomAD compares: Non-Finnish European, 0.021%; no homozygotes.

Submissions (8):

Labcorp Genetics (formerly Invitae), Labcorp
Classification: Likely benign. Last evaluated: 2025-12-08. Review status: criteria provided, single submitter. Criteria: Invitae Variant Classification Sherloc (09022015). Collection method: clinical testing. Allele origin: germline.

CeGaT Center for Human Genetics Tuebingen
Classification: Likely benign. Last evaluated: 2025-12-01. Review status: criteria provided, single submitter. Criteria: CeGaT Center For Human Genetics Tuebingen Variant Classification Criteria Version 2. Collection method: clinical testing. Allele origin: germline. Affected: yes. Observed: 4 variant alleles.
Comment: NSD1: BS2

Laboratory of Genetics, Children's Clinical University Hospital Latvia
Classification: Likely benign. Last evaluated: 2025-02-16. Review status: criteria provided, single submitter. Criteria: ACMG Guidelines, 2015. Collection method: clinical testing. Allele origin: germline. Affected: yes.

Blueprint Genetics
Classification: Likely benign. Last evaluated: 2024-10-03. Review status: criteria provided, single submitter. Criteria: ACMG Guidelines, 2015. Collection method: clinical testing. Allele origin: germline.

Fulgent Genetics
Classification: Likely benign for Sotos syndrome. Last evaluated: 2021-09-09. Review status: criteria provided, single submitter. Criteria: ACMG Guidelines, 2015. Collection method: clinical testing. Allele origin: unknown.

Genome-Nilou Lab
Classification: Benign for Sotos syndrome. Last evaluated: 2021-07-15. Review status: criteria provided, single submitter. Criteria: ACMG Guidelines, 2015. Collection method: clinical testing. Allele origin: germline. Affected: no.

GeneDx
Classification: Benign. Last evaluated: 2019-04-18. Review status: criteria provided, single submitter. Criteria: GeneDx Variant Classification Process June 2021. Collection method: clinical testing. Allele origin: germline. Affected: yes.

Ambry Genetics
Classification: Likely benign for Inborn genetic diseases. Last evaluated: 2018-01-17. Review status: criteria provided, single submitter. Criteria: Ambry Variant Classification Scheme 2023. Collection method: clinical testing. Allele origin: germline.